The following is an entry in ClinVar:

ClinVar aggregate classification (germline): Likely pathogenic (1 of 4 stars; one submission).

Conditions:
Galactosemia. Also called: Galactose intolerance. Identifiers: Orphanet 352, MedGen C0016952, MONDO:0018116, HP:0004919. Disease mechanism: loss of function.

Submission:

Natera, Inc.
Classification: Likely pathogenic for Galactosemia. Last evaluated: 2024-04-30. Review status: criteria provided, single submitter. Criteria: Natera Variant Classification Schema (03/2026). Collection method: clinical testing. Allele origin: germline.
Comment: The c.1112delA variant in GALT is a frameshift variant predicted to shift the reading frame and introduce a stop codon. This variant is expected to result in nonsense mediated decay, truncation, or a dysfunctional protein product. This variant is rare in the general population with a frequency below the threshold expected for the associated phenotype(s). Given the available evidence, this variant is classified as Likely Pathogenic.

NM_000155.4(GALT):c.1112del (p.Lys371fs)

Gene: GALT (galactose-1-phosphate uridylyltransferase; plus strand). Cytogenetic location: 9p13.3.
Variant type: Deletion.
Coding change: c.1112del on transcript NM_000155.4 (MANE Select); coding-DNA position 1112, one base deleted (A; older notation c.1112delA).
Protein change: p.Lys371fs; shifts the reading frame from lysine 371.
Molecular consequence: frameshift variant.
Genome position (GRCh38, 1-based): chr9:34,650,421, A deleted; the last of 2 consecutive A bases (chr9:34,650,420-34,650,421); deleting either gives the same sequence. VCF-style (leftmost placement, unchanged base first): chr9-34650419-GA-G. GRCh37 (hg19) VCF-style: chr9-34650416-GA-G.
Other names: c.785del, p.Lys262fs (NM_001258332.2); short protein forms K262fs, K371fs.
Identifiers: ClinVar variation 4817619 (VCV004817619.1).